The following is an entry in ClinVar:

NM_015192.4(PLCB1):c.3550C>T (p.Leu1184Phe)

Gene: PLCB1 (phospholipase C beta 1; plus strand). Cytogenetic location: 20p12.3.
Variant type: single nucleotide variant.
Coding change: c.3550C>T on transcript NM_015192.4 (MANE Select); coding-DNA position 3550, C replaced by T.
Protein change: p.Leu1184Phe; replaces leucine 1184 with phenylalanine.
Molecular consequence: missense variant. On other transcripts: 3 prime UTR variant (1).
Genome position (GRCh38, 1-based): chr20:8,881,748, C>T. VCF-style: chr20-8881748-C-T. GRCh37 (hg19) VCF-style: chr20-8862395-C-T.
Other names: c.*146C>T (NM_182734.3); short protein forms L1184F.
Identifiers: ClinVar variation 95688 (VCV000095688.71), dbSNP rs28390202, ClinGen allele CA208337.

ClinVar aggregate classification (germline): Conflicting classifications of pathogenicity. Review status: criteria provided, conflicting classifications (1 of 4 stars). 13 submissions from 13 submitters: Uncertain significance (2); Benign (2); Likely benign (8). 1 of the submissions does not count toward it. Last evaluated 2026-04-01.

Conditions:
PLCB1-related disorder. Also called: PLCB1-related condition.
Inborn genetic diseases. Identifiers: MedGen C0950123, MeSH D030342.
Developmental and epileptic encephalopathy, 12 (DEE12). Identifiers: MedGen C3150988, MONDO:0013389, OMIM 613722.

Allele frequency attached by ClinVar (database versions not stated): 1000 Genomes Project 30x 0.00125; TOPMed 0.00257; gnomAD exomes 0.00259 and 0.00433; gnomAD 0.00259 and 0.00270; ESP Exome Variant Server 0.00261; ExAC 0.00259; 1000 Genomes Project 0.00140.
gnomAD v4.1: 6,637 of 1,614,034 alleles (0.41%); highest among the groups gnomAD compares: Non-Finnish European, 0.52%; 18 homozygotes.

Submissions (13):

CeGaT Center for Human Genetics Tuebingen
Classification: Likely benign. Last evaluated: 2026-04-01. Review status: criteria provided, single submitter. Criteria: CeGaT Center For Human Genetics Tuebingen Variant Classification Criteria Version 2. Collection method: clinical testing. Allele origin: germline. Affected: yes. Observed: 15 variant alleles.
Comment: PLCB1: BP4, BS2

Labcorp Genetics (formerly Invitae), Labcorp
Classification: Benign for Developmental and epileptic encephalopathy, 12. Last evaluated: 2026-02-02. Review status: criteria provided, single submitter. Criteria: Invitae Variant Classification Sherloc (09022015). Collection method: clinical testing. Allele origin: germline.

GeneDx
Classification: Likely benign. Last evaluated: 2025-04-23. Review status: criteria provided, single submitter. Criteria: GeneDx Variant Classification Process June 2021. Collection method: clinical testing. Allele origin: germline. Affected: yes.
Comment: See Variant Classification Assertion Criteria.

Mayo Clinic Laboratories, Mayo Clinic
Classification: Likely benign. Last evaluated: 2025-01-03. Review status: criteria provided, single submitter. Criteria: ACMG Guidelines, 2015. Collection method: clinical testing. Allele origin: germline. Observed: 6 variant alleles.
Comment: BS1, BP4_moderate

Blueprint Genetics
Classification: Likely benign. Last evaluated: 2024-11-05. Review status: criteria provided, single submitter. Criteria: ACMG Guidelines, 2015. Collection method: clinical testing. Allele origin: germline.

Genome-Nilou Lab
Classification: Benign for Developmental and epileptic encephalopathy, 12. Last evaluated: 2021-09-05. Review status: criteria provided, single submitter. Criteria: ACMG Guidelines, 2015. Collection method: clinical testing. Allele origin: germline. Affected: no.

Center for Genomics, Ann and Robert H. Lurie Children's Hospital of Chicago
Classification: Likely benign for Developmental and epileptic encephalopathy, 12. Last evaluated: 2021-03-30. Review status: criteria provided, single submitter. Criteria: ACMG Guidelines, 2015. Collection method: clinical testing. Allele origin: germline.
Comment: PLCB1 NM_015192.3 exon 32 p.Leu1184Phe (c.3550C>T): This variant has not been reported in the literature but is present in 0.4% (297/64568) of European alleles in the Genome Aggregation Database, including 2 homozygotes. This variant is present in ClinVar, with several labs classifying this variant as benign or likely benign (Variation ID:95688). Evolutionary conservation and computational predictive tools suggest that this variant may not impact the protein. In summary, data on this variant suggests that this variant does not cause disease, but requires further evidence. Therefore this variant is classified as likely benign.

Athena Diagnostics
Classification: Likely benign. Last evaluated: 2019-05-31. Review status: criteria provided, single submitter. Criteria: Athena Diagnostics Criteria. Collection method: clinical testing. Allele origin: germline.

Ambry Genetics
Classification: Likely benign for Inborn genetic diseases. Last evaluated: 2018-12-24. Review status: criteria provided, single submitter. Criteria: Ambry Variant Classification Scheme 2023. Collection method: clinical testing. Allele origin: germline.

Eurofins Ntd Llc (ga)
Classification: Uncertain significance. Last evaluated: 2017-12-14. Review status: criteria provided, single submitter. Criteria: EGL Classification Definitions 2015. Collection method: clinical testing. Allele origin: germline. Observed: 7 variant alleles, 7 heterozygotes.

Illumina Laboratory Services, Illumina
Classification: Uncertain significance for Developmental and epileptic encephalopathy, 12. Last evaluated: 2017-04-27. Review status: criteria provided, single submitter. Criteria: ICSL Variant Classification Criteria 13 December 2019. Collection method: clinical testing. Allele origin: germline.

Genetic Services Laboratory, University of Chicago
Classification: Likely benign. Last evaluated: 2015-05-13. Review status: criteria provided, single submitter. Criteria: ACMG Guidelines, 2015. Collection method: clinical testing. Allele origin: germline.

PreventionGenetics, part of Exact Sciences
Classification: Likely benign for PLCB1-related condition. Last evaluated: 2022-02-24. Review status: no assertion criteria provided. Collection method: clinical testing. Allele origin: germline. Not counted in ClinVar's aggregate classification.
Comment: This variant is classified as likely benign based on ACMG/AMP sequence variant interpretation guidelines (Richards et al. 2015 PMID: 25741868, with internal and published modifications).

Literature cited by the submitters: PubMed 24747189 (cited by Athena Diagnostics).